The following is an entry in ClinVar:

NM_016824.5(ADD3):c.2004C>A (p.Ile668=)

Gene: ADD3 (adducin 3; plus strand). Cytogenetic location: 10q25.2.
Variant type: single nucleotide variant.
Coding change: c.2004C>A on transcript NM_016824.5 (MANE Select); coding-DNA position 2004, C replaced by A.
Protein change: p.Ile668=; no amino-acid change (isoleucine 668 retained).
Molecular consequence: synonymous variant.
Genome position (GRCh38, 1-based): chr10:110,133,501, C>A. VCF-style: chr10-110133501-C-A. GRCh37 (hg19) VCF-style: chr10-111893259-C-A.
Other names: c.1908C>A, p.Ile636= (NM_001121.4, NM_019903.5); c.2004C>A, p.Ile668= (NM_001320591.2, NM_001320592.2, NM_001320593.2); c.1770C>A, p.Ile590= (NM_001320594.2).
Identifiers: ClinVar variation 2189496 (VCV002189496.11), dbSNP rs13306102, ClinGen allele CA5686790.
Genomic context (GRCh38, chr10:110,133,501, plus strand): 5'-GTTAAGCACAAGTACAACCATAGAAAACATCGAGATTACTATTAAGTCTCCAGAGAAAAT[C>A]GAAGAAGTCCTGTCACCTGAAGGCTCCCCTTCAAAATCGCCATCCAAGAAAAAGAAGAAA-3'
Protein context (NP_058432.1, residues 658-678): IEITIKSPEK[Ile668=]EEVLSPEGSP

ClinVar aggregate classification (germline): Benign/Likely benign. Review status: criteria provided, multiple submitters, no conflicts (2 of 4 stars). 2 submissions from 2 submitters: Benign (1); Likely benign (1). Last evaluated 2025-03-01.

Allele frequency attached by ClinVar (database versions not stated): 1000 Genomes Project 30x 0.00109; 1000 Genomes Project 0.00140.
gnomAD v4.1: 576 of 1,613,464 alleles (0.036%); highest among the groups gnomAD compares: East Asian, 1.3%; 3 homozygotes.

Submissions (2):

CeGaT Center for Human Genetics Tuebingen
Classification: Likely benign. Last evaluated: 2025-03-01. Review status: criteria provided, single submitter. Criteria: CeGaT Center For Human Genetics Tuebingen Variant Classification Criteria Version 2. Collection method: clinical testing. Allele origin: germline. Affected: yes. Observed: 1 variant allele.
Comment: ADD3: BP4, BP7, BS1

Labcorp Genetics (formerly Invitae), Labcorp
Classification: Benign. Last evaluated: 2024-05-06. Review status: criteria provided, single submitter. Criteria: Invitae Variant Classification Sherloc (09022015). Collection method: clinical testing. Allele origin: germline.